The following is an entry in ClinVar:

ClinVar aggregate classification (germline): Uncertain significance (1 of 4 stars; one submission).

gnomAD v4.1: 9 of 1,613,372 alleles (0.00056%); highest among the groups gnomAD compares: South Asian, 0.0033%; no homozygotes.

Submission:

Mayo Clinic Laboratories, Mayo Clinic
Classification: Uncertain significance. Last evaluated: 2025-09-18. Review status: criteria provided, single submitter. Criteria: ACMG Guidelines, 2015. Collection method: clinical testing. Allele origin: germline. Observed: 1 variant allele.
Comment: BP4_moderate, PM2_supporting

NM_031471.6(FERMT3):c.1925G>A (p.Arg642Gln)

Gene: FERMT3 (FERM domain containing kindlin 3; plus strand). Cytogenetic location: 11q13.1.
Variant type: single nucleotide variant.
Coding change: c.1925G>A on transcript NM_031471.6 (MANE Select); coding-DNA position 1925, G replaced by A.
Protein change: p.Arg642Gln; replaces arginine 642 with glutamine.
Molecular consequence: missense variant.
Genome position (GRCh38, 1-based): chr11:64,223,425, G>A. VCF-style: chr11-64223425-G-A. GRCh37 (hg19) VCF-style: chr11-63990897-G-A.
Other names: p.Arg642Gln; c.1937G>A, p.Arg646Gln (NM_001382362.1, NM_178443.3); c.1385G>A, p.Arg462Gln (NM_001382363.1); c.1397G>A, p.Arg466Gln (NM_001382364.1); c.1925G>A, p.Arg642Gln (NM_001382448.1, NM_001382361.1); short protein forms R462Q, R466Q, R642Q, R646Q.
Identifiers: ClinVar variation 4541627 (VCV004541627.1).
Genomic context (GRCh38, chr11:64,223,425, plus strand): 5'-CCAGCTGCCGAATTGTACACGAGTATATCGGGGGCTACATTTTCCTGTCGACGCGGGAGC[G>A]GGCCCGTGGGGAGGAGCTGGATGAAGACCTCTTCCTGCAGCTCACCGGGGGCCATGAGGC-3'
Protein context (NP_113659.3, residues 632-652): GGYIFLSTRE[Arg642Gln]ARGEELDEDL